The following is an entry in ClinVar:

ClinVar aggregate classification (germline): Uncertain significance. Review status: criteria provided, multiple submitters, no conflicts (2 of 4 stars). 2 submissions from 2 submitters: Uncertain significance (2). Last evaluated 2022-01-15.

Conditions:
Immunodeficiency 104. Also called: IMMUNODEFICIENCY 104, SEVERE COMBINED; Severe combined immunodeficiency, autosomal recessive, T cell-negative, B cell-positive, NK cell-positive; SCID, AUTOSOMAL RECESSIVE, T CELL-NEGATIVE, B CELL-POSITIVE, NK CELL-POSITIVE; Severe Combined Immune Deficiency, Autosomal Recessive, TCell -Negative, B Cell-Positive, NK Cell-Positive, IL7R-Related. Identifiers: MedGen C5676890, MONDO:0012163, OMIM 608971.
Inborn genetic diseases. Identifiers: MedGen C0950123, MeSH D030342.

Allele frequency attached by ClinVar (database versions not stated): gnomAD 0.00002; TOPMed 0.00002; ExAC 0.00003; gnomAD exomes 0.00003.
gnomAD v4.1: 47 of 1,611,212 alleles (0.0029%); highest among the groups gnomAD compares: Middle Eastern, 0.016%; no homozygotes.

Submissions (2):

Labcorp Genetics (formerly Invitae), Labcorp
Classification: Uncertain significance for Immunodeficiency 104. Last evaluated: 2022-01-15. Review status: criteria provided, single submitter. Criteria: Invitae Variant Classification Sherloc (09022015). Collection method: clinical testing. Allele origin: germline.
Comment: This sequence change replaces proline, which is neutral and non-polar, with leucine, which is neutral and non-polar, at codon 848 of the PTPRC protein (p.Pro848Leu). The frequency data for this variant in the population databases is considered unreliable, as metrics indicate poor data quality at this position in the gnomAD database. This variant has not been reported in the literature in individuals affected with PTPRC-related conditions. ClinVar contains an entry for this variant (Variation ID: 464443). Algorithms developed to predict the effect of missense changes on protein structure and function (SIFT, PolyPhen-2, Align-GVGD) all suggest that this variant is likely to be disruptive. In summary, the available evidence is currently insufficient to determine the role of this variant in disease. Therefore, it has been classified as a Variant of Uncertain Significance.

Ambry Genetics
Classification: Uncertain significance for Inborn genetic diseases. Last evaluated: 2021-07-16. Review status: criteria provided, single submitter. Criteria: Ambry Variant Classification Scheme 2023. Collection method: clinical testing. Allele origin: germline.

NM_002838.5(PTPRC):c.2543C>T (p.Pro848Leu)

Gene: PTPRC (protein tyrosine phosphatase receptor type C; plus strand). Cytogenetic location: 1q32.1.
Variant type: single nucleotide variant.
Coding change: c.2543C>T on transcript NM_002838.5 (MANE Select); coding-DNA position 2543, C replaced by T.
Protein change: p.Pro848Leu; replaces proline 848 with leucine.
Molecular consequence: missense variant.
Genome position (GRCh38, 1-based): chr1:198,742,008, C>T. VCF-style: chr1-198742008-C-T. GRCh37 (hg19) VCF-style: chr1-198711137-C-T.
Other names: c.2060C>T, p.Pro687Leu (NM_080921.4); c.2537C>T (NM_002838.3); short protein forms P848L, P687L.
Identifiers: ClinVar variation 464443 (VCV000464443.5), dbSNP rs765136427, ClinGen allele CA1315138.